The following is an entry in ClinVar:

ClinVar aggregate classification (germline): Uncertain significance. Review status: criteria provided, multiple submitters, no conflicts (2 of 4 stars). 2 submissions from 2 submitters: Uncertain significance (2). Last evaluated 2025-05-06.

Conditions:
Inborn genetic diseases. Identifiers: MedGen C0950123, MeSH D030342.

Allele frequency attached by ClinVar (database versions not stated): gnomAD 0.00001; gnomAD exomes 0.00001; TOPMed 0.00001.
gnomAD v4.1: 4 of 1,613,670 alleles (0.00025%); highest among the groups gnomAD compares: Non-Finnish European, 0.00034%; no homozygotes.

Submissions (2):

Ambry Genetics
Classification: Uncertain significance for Inborn genetic diseases. Last evaluated: 2025-05-06. Review status: criteria provided, single submitter. Criteria: Ambry Variant Classification Scheme 2023. Collection method: clinical testing. Allele origin: germline.

Labcorp Genetics (formerly Invitae), Labcorp
Classification: Uncertain significance. Last evaluated: 2022-06-25. Review status: criteria provided, single submitter. Criteria: Invitae Variant Classification Sherloc (09022015). Collection method: clinical testing. Allele origin: germline.
Comment: This variant is present in population databases (no rsID available, gnomAD 0.007%). This sequence change replaces proline, which is neutral and non-polar, with leucine, which is neutral and non-polar, at codon 1574 of the ROBO1 protein (p.Pro1574Leu). This variant has not been reported in the literature in individuals affected with ROBO1-related conditions. In summary, the available evidence is currently insufficient to determine the role of this variant in disease. Therefore, it has been classified as a Variant of Uncertain Significance. Advanced modeling of protein sequence and biophysical properties (such as structural, functional, and spatial information, amino acid conservation, physicochemical variation, residue mobility, and thermodynamic stability) performed at Invitae indicates that this missense variant is not expected to disrupt ROBO1 protein function.

NM_002941.4(ROBO1):c.4721C>T (p.Pro1574Leu)

Gene: ROBO1 (roundabout guidance receptor 1; minus strand). Cytogenetic location: 3p12.3.
Variant type: single nucleotide variant.
Coding change: c.4721C>T on transcript NM_002941.4 (MANE Select); coding-DNA position 4721, C replaced by T.
Protein change: p.Pro1574Leu; replaces proline 1574 with leucine.
Molecular consequence: missense variant.
Genome position (GRCh38, 1-based): chr3:78,606,756, G>A on the plus strand (C>T on the coding strand, the complement: ROBO1 is on the minus strand). VCF-style: chr3-78606756-G-A. GRCh37 (hg19) VCF-style: chr3-78655906-G-A.
Other names: c.4586C>T, p.Pro1529Leu (NM_001145844.1, NM_133631.4); c.4421C>T, p.Pro1474Leu (NM_001145845.2); c.4721C>T (NM_002941.3); short protein forms P1474L, P1529L, P1574L.
Identifiers: ClinVar variation 2202553 (VCV002202553.5), dbSNP rs996377836, ClinGen allele CA77656684.